The following is an entry in ClinVar:

NM_020778.5(ALPK3):c.3231_3232del (p.Asp1077fs)

Gene: ALPK3 (alpha kinase 3; plus strand). Cytogenetic location: 15q25.3.
Variant type: Deletion.
Coding change: c.3231_3232del on transcript NM_020778.5 (MANE Select); coding-DNA positions 3231 to 3232, 2 bases deleted (CG; older notation c.3231_3232delCG).
Protein change: p.Asp1077fs; shifts the reading frame from aspartic acid 1077.
Molecular consequence: frameshift variant.
Genome position (GRCh38, 1-based): chr15:84,857,969-84,857,970, CG deleted. VCF-style (leftmost placement, unchanged base first): chr15-84857968-ACG-A. GRCh37 (hg19) VCF-style: chr15-85401199-ACG-A.
Other names: short protein forms D1077fs.
Identifiers: ClinVar variation 1399264 (VCV001399264.13), dbSNP rs2141568790, ClinGen allele CA2573151302.

ClinVar aggregate classification (germline): Pathogenic/Likely pathogenic. Review status: criteria provided, multiple submitters, no conflicts (2 of 4 stars). 4 submissions from 4 submitters: Pathogenic (3); Likely pathogenic (1). Last evaluated 2026-04-15.

Conditions:
ALPK3-related disorder. Also called: ALPK3-related condition.
Cardiovascular phenotype. Identifiers: MedGen CN230736.

Allele frequency attached by ClinVar (database versions not stated): gnomAD exomes 0.00005.

Submissions (4):

GeneDx
Classification: Pathogenic. Last evaluated: 2026-04-15. Review status: criteria provided, single submitter. Criteria: GeneDx Variant Classification Process June 2021. Collection method: clinical testing. Allele origin: germline.
Comment: Identified in the heterozygous state in a patient with HCM and in the compound heterozygous state with a frameshift variant on the opposite allele (in trans) in a patient with HCM (PMID: 34263907, 35288587); Not observed at significant frequency in large population cohorts (gnomAD); Frameshift variant predicted to result in protein truncation or nonsense mediated decay in a gene for which loss of function is a known mechanism of disease; Also known as p.(D1279Efs*13); This variant is associated with the following publications: (PMID: 34263907, 35288587)

Labcorp Genetics (formerly Invitae), Labcorp
Classification: Pathogenic. Last evaluated: 2026-01-04. Review status: criteria provided, single submitter. Criteria: Invitae Variant Classification Sherloc (09022015). Collection method: clinical testing. Allele origin: germline.
Comment: This sequence change creates a premature translational stop signal (p.Asp1279Glufs*13) in the ALPK3 gene. It is expected to result in an absent or disrupted protein product. Loss-of-function variants in ALPK3 are known to be pathogenic (PMID: 21441111, 26846950, 27106955, 34263907). This variant is not present in population databases (gnomAD no frequency). This variant has not been reported in the literature in individuals affected with ALPK3-related conditions. ClinVar contains an entry for this variant (Variation ID: 1399264). For these reasons, this variant has been classified as Pathogenic.

Ambry Genetics
Classification: Pathogenic for Cardiovascular phenotype. Last evaluated: 2024-01-29. Review status: criteria provided, single submitter. Criteria: Ambry Variant Classification Scheme 2023. Collection method: clinical testing. Allele origin: germline.
Comment: The c.3837_3838delCG pathogenic mutation, located in coding exon 6 of the ALPK3 gene, results from a deletion of two nucleotides at nucleotide positions 3837 to 3838, causing a translational frameshift with a predicted alternate stop codon (p.D1279Efs*13). This variant (also referred to as c.3231_3232delCG, p.Asp1077Glufs*13) has been detected in an individual with hypertrophic cardiomyopathy (HCM) and co-occurred with a second ALPK3 frameshift variant in an individual with pediatric onset HCM (Lopes LR et al. Eur Heart J, 2021 Aug;42:3063-3073; Lesurf R et al. NPJ Genom Med, 2022 Mar;7:18). This variant is considered to be rare based on population cohorts in the Genome Aggregation Database (gnomAD). This alteration is expected to result in loss of function by premature protein truncation or nonsense-mediated mRNA decay. As such, this alteration is interpreted as a disease-causing mutation.

Blueprint Genetics
Classification: Likely pathogenic for ALPK3-related disorders. Last evaluated: 2021-10-08. Review status: criteria provided, single submitter. Criteria: ACMG Guidelines, 2015. Collection method: clinical testing. Allele origin: germline. Affected: yes. Observed: 2 variant alleles.

Literature cited by the submitters: PubMed 21441111 (cited by Labcorp Genetics (formerly Invitae), Labcorp); PubMed 26846950 (cited by Labcorp Genetics (formerly Invitae), Labcorp); PubMed 27106955 (cited by Labcorp Genetics (formerly Invitae), Labcorp); PubMed 34263907 (cited by Labcorp Genetics (formerly Invitae), Labcorp and Ambry Genetics); PubMed 35288587 (cited by Ambry Genetics); PubMed 37477868 (cited by Ambry Genetics).